The following is an entry in ClinVar:

NM_001374736.1(DST):c.13591C>G (p.Leu4531Val)

Gene: DST (dystonin; minus strand). Cytogenetic location: 6p12.1.
Variant type: single nucleotide variant.
Coding change: c.13591C>G on transcript NM_001374736.1 (MANE Select); coding-DNA position 13591, C replaced by G.
Protein change: p.Leu4531Val; replaces leucine 4531 with valine.
Molecular consequence: missense variant.
Genome position (GRCh38, 1-based): chr6:56,572,230, G>C on the plus strand (C>G on the coding strand, the complement: DST is on the minus strand). VCF-style: chr6-56572230-G-C. GRCh37 (hg19) VCF-style: chr6-56437028-G-C.
Other names: c.7234C>G, p.Leu2412Val (NM_001144769.5); c.6820C>G, p.Leu2274Val (NM_001144770.2); c.13591C>G, p.Leu4531Val (NM_001374722.1); c.12958C>G, p.Leu4320Val (NM_001374729.1); c.6700C>G, p.Leu2234Val (NM_001374730.1, NM_001386100.1, NM_183380.4); c.13618C>G, p.Leu4540Val (NM_001374734.1); c.5722C>G, p.Leu1908Val (NM_015548.5); short protein forms L1908V, L2234V, L2274V, L2412V, L4320V, L4531V, L4540V.
Identifiers: ClinVar variation 1008233 (VCV001008233.7), dbSNP rs996209535, ClinGen allele CA139212909.
Genomic context (GRCh38, chr6:56,572,230, plus strand): 5'-CCTTATCACTTGGTAAGCCATGGCTGGATATCTCCTTCAAGAGACTATGCAAAACTTCAA[G>C]ATGTTTCTTGTGTTCTAAAAATTCAGAAGTTGATTCCTACAAAGCATTAAGATATTCAGT-3'
Protein context (NP_001361665.1, residues 4521-4541): TSEFLEHKKH[Leu4531Val]EVLHSLLKEI

ClinVar aggregate classification (germline): Uncertain significance. Review status: criteria provided, multiple submitters, no conflicts (2 of 4 stars). 3 submissions from 3 submitters: Uncertain significance (3). Last evaluated 2026-01-29.

Conditions:
Hereditary sensory and autonomic neuropathy type 6. Also called: Neuropathy, hereditary sensory and autonomic, type VI; HSAN VI. Identifiers: Orphanet 314381, MedGen C3539003, MONDO:0013839, OMIM 614653.
Epidermolysis bullosa simplex 3, localized or generalized intermediate, with BP230 deficiency (EBS3). Also called: Epidermolysis bullosa simplex, autosomal recessive 2; Epidermolysis bullosa simplex due to BP230 deficiency. Identifiers: Orphanet 412181, MedGen C3809470, MONDO:0014180, OMIM 615425.
Inborn genetic diseases. Identifiers: MedGen C0950123, MeSH D030342.
DST-related disorder. Also called: DST-related condition; DST-related disorders.

Allele frequency attached by ClinVar (database versions not stated): gnomAD exomes below 0.00001 and 0.00001; TOPMed 0.00002; gnomAD 0.00003.
gnomAD v4.1: 14 of 1,573,882 alleles (0.00089%); highest among the groups gnomAD compares: African/African-American, 0.0027%; no homozygotes.

Submissions (3):

PreventionGenetics, part of Exact Sciences
Classification: Uncertain significance for DST-related condition. Last evaluated: 2026-01-29. Review status: criteria provided, single submitter. Criteria: ACMG Guidelines, 2015. Collection method: clinical testing. Allele origin: germline.
Comment: The DST c.7234C>G variant is predicted to result in the amino acid substitution p.Leu2412Val. To our knowledge, this variant has not been reported in the literature. This variant is reported in 0.0011% of alleles in individuals of European (Non-Finnish) descent in gnomAD. At this time, the clinical significance of this variant is uncertain due to the absence of conclusive functional and genetic evidence.

Labcorp Genetics (formerly Invitae), Labcorp
Classification: Uncertain significance for Epidermolysis bullosa simplex 3, localized or generalized intermediate, with BP230 deficiency; Hereditary sensory and autonomic neuropathy type 6. Last evaluated: 2022-07-30. Review status: criteria provided, single submitter. Criteria: Invitae Variant Classification Sherloc (09022015). Collection method: clinical testing. Allele origin: germline.
Comment: The DST gene has multiple clinically relevant transcripts. This variant occurs in alternate transcript NM_015548.4, and corresponds to NM_001723.5:c.*43287C>G in the primary transcript. This sequence change replaces leucine, which is neutral and non-polar, with valine, which is neutral and non-polar, at codon 1908 of the DST protein (p.Leu1908Val). This variant is present in population databases (no rsID available, gnomAD 0.001%). This variant has not been reported in the literature in individuals affected with DST-related conditions. Experimental studies and prediction algorithms are not available or were not evaluated, and the functional significance of this variant is currently unknown. In summary, the available evidence is currently insufficient to determine the role of this variant in disease. Therefore, it has been classified as a Variant of Uncertain Significance.

Ambry Genetics
Classification: Uncertain significance for Inborn genetic diseases. Last evaluated: 2019-11-15. Review status: criteria provided, single submitter. Criteria: Ambry Variant Classification Scheme 2023. Collection method: clinical testing. Allele origin: germline.
Comment: The p.L2412V variant (also known as c.7234C>G), located in coding exon 47 of the DST gene, results from a C to G substitution at nucleotide position 7234. The leucine at codon 2412 is replaced by valine, an amino acid with highly similar properties. This amino acid position is well conserved in available vertebrate species. In addition, this alteration is predicted to be tolerated by in silico analysis. Since supporting evidence is limited at this time, the clinical significance of this alteration remains unclear.